The following is an entry in ClinVar:

ClinVar aggregate classification (germline): Pathogenic (1 of 4 stars; one submission).

Conditions:
Cataract 13 with adult I phenotype. Identifiers: Orphanet 91492, MedGen C3805373, MONDO:0007289, OMIM 116700.

Allele frequency attached by ClinVar (database versions not stated): gnomAD 0.00011 and 0.00013; gnomAD exomes below 0.00001; TOPMed 0.00020.

Submission:

Labcorp Genetics (formerly Invitae), Labcorp
Classification: Pathogenic for Cataract 13 with adult I phenotype. Last evaluated: 2023-10-11. Review status: criteria provided, single submitter. Criteria: Invitae Variant Classification Sherloc (09022015). Collection method: clinical testing. Allele origin: germline.
Comment: This sequence change creates a premature translational stop signal (p.Ile20Metfs*17) in the GCNT2 gene. It is expected to result in an absent or disrupted protein product. Loss-of-function variants in GCNT2 are known to be pathogenic (PMID: 21761136). This variant is not present in population databases (gnomAD no frequency). This variant has not been reported in the literature in individuals affected with GCNT2-related conditions. ClinVar contains an entry for this variant (Variation ID: 571035). For these reasons, this variant has been classified as Pathogenic.

Literature cited by the submitters: PubMed 21761136.

NM_001491.3(GCNT2):c.60del (p.Ile20fs)

Gene: GCNT2 (glucosaminyl (N-acetyl) transferase 2 (I blood group); plus strand). Cytogenetic location: 6p24.3.
Variant type: Deletion.
Coding change: c.60del on transcript NM_001491.3 (MANE Plus Clinical); coding-DNA position 60, one base deleted (C; older notation c.60delC).
Protein change: p.Ile20fs; shifts the reading frame from isoleucine 20.
Molecular consequence: frameshift variant. On other transcripts: intron variant (2).
Genome position (GRCh38, 1-based): chr6:10,556,483, C deleted. VCF-style (leftmost placement, unchanged base first): chr6-10556482-TC-T. GRCh37 (hg19) VCF-style: chr6-10556715-TC-T.
Other names: c.60delC (NM_001491.2); c.925+26647del (NM_145649.5, NM_001374747.1); short protein forms I20fs.
Identifiers: ClinVar variation 571035 (VCV000571035.7), dbSNP rs1184095219, ClinGen allele CA816673258.
Genomic context (GRCh38, chr6:10,556,482, plus strand): 5'-GCATGCCTTTATCAATGCGTTACCTCTTCATAATTTCTGTCTCTAGTGTAATTATTTTTA[TC>T]GTCTTCTCTGTGTTCAATTTTGGGGGAGATCCAAGCTTCCAAAGGCTAAATATCTCAGAC-3'